The following is an entry in ClinVar:

ClinVar aggregate classification (germline): Uncertain significance (1 of 4 stars; one submission).

Conditions:
Intellectual developmental disorder, autosomal dominant 1. Also called: Intellectual disability, autosomal dominant 1; MBD5 Haploinsufficiency. Identifiers: Orphanet 228402, MedGen C1969562, MONDO:0007974, OMIM 156200.

Allele frequency attached by ClinVar (database versions not stated): gnomAD exomes below 0.00001.
gnomAD v4.1: 1 of 1,613,770 alleles (0.000062%); highest among the groups gnomAD compares: Non-Finnish European, 0.000085%; no homozygotes.

Submission:

Labcorp Genetics (formerly Invitae), Labcorp
Classification: Uncertain significance for Intellectual developmental disorder, autosomal dominant 1. Last evaluated: 2023-07-05. Review status: criteria provided, single submitter. Criteria: Invitae Variant Classification Sherloc (09022015). Collection method: clinical testing. Allele origin: germline.
Comment: In summary, the available evidence is currently insufficient to determine the role of this variant in disease. Therefore, it has been classified as a Variant of Uncertain Significance. Advanced modeling of protein sequence and biophysical properties (such as structural, functional, and spatial information, amino acid conservation, physicochemical variation, residue mobility, and thermodynamic stability) performed at Invitae indicates that this missense variant is not expected to disrupt MBD5 protein function. This variant has not been reported in the literature in individuals affected with MBD5-related conditions. This variant is not present in population databases (gnomAD no frequency). This sequence change replaces histidine, which is basic and polar, with arginine, which is basic and polar, at codon 267 of the MBD5 protein (p.His267Arg).

NM_001378120.1(MBD5):c.800A>G (p.His267Arg)

Gene: MBD5 (methyl-CpG binding domain protein 5; plus strand). Cytogenetic location: 2q23.1.
Variant type: single nucleotide variant.
Coding change: c.800A>G on transcript NM_001378120.1 (MANE Select); coding-DNA position 800, A replaced by G.
Protein change: p.His267Arg; replaces histidine 267 with arginine.
Molecular consequence: missense variant.
Genome position (GRCh38, 1-based): chr2:148,468,743, A>G. VCF-style: chr2-148468743-A-G. GRCh37 (hg19) VCF-style: chr2-149226312-A-G.
Other names: c.800A>G, p.His267Arg (NM_018328.5); short protein forms H267R.
Identifiers: ClinVar variation 2745154 (VCV002745154.3), dbSNP rs1553518483, ClinGen allele CA315782.
Genomic context (GRCh38, chr2:148,468,743, plus strand): 5'-CTGATGTTTTCACAAGAAGTAATCCTGGTTTTCATGGAGCTCCCAATTCTAGTCCTATTC[A>G]CCTGAATAGGACTCCTCTTTCTCCACCTTCAGTAATGCTACATGGTTCTCCTGTACAGTC-3'
Protein context (NP_001365049.1, residues 257-277): FHGAPNSSPI[His267Arg]LNRTPLSPPS